The following is an entry in ClinVar:

ClinVar aggregate classification (germline): Uncertain significance (1 of 4 stars; one submission).

Conditions:
Inborn genetic diseases. Identifiers: MedGen C0950123, MeSH D030342.

gnomAD v4.1: 7 of 1,600,004 alleles (0.00044%); highest among the groups gnomAD compares: Non-Finnish European, 0.00059%; no homozygotes.

Submission:

Ambry Genetics
Classification: Uncertain significance for Inborn genetic diseases. Last evaluated: 2025-07-10. Review status: criteria provided, single submitter. Criteria: Ambry Variant Classification Scheme 2023. Collection method: clinical testing. Allele origin: germline.
Comment: The p.I129F variant (also known as c.385A>T), located in coding exon 4 of the ELANE gene, results from an A to T substitution at nucleotide position 385. The isoleucine at codon 129 is replaced by phenylalanine, an amino acid with highly similar properties. This amino acid position is conserved. In addition, this alteration is predicted to be tolerated by in silico analysis. Based on the available evidence, the clinical significance of this variant remains unclear.

NM_001972.4(ELANE):c.385A>T (p.Ile129Phe)

Gene: ELANE (elastase, neutrophil expressed; plus strand). Cytogenetic location: 19p13.3.
Variant type: single nucleotide variant.
Coding change: c.385A>T on transcript NM_001972.4 (MANE Select); coding-DNA position 385, A replaced by T.
Protein change: p.Ile129Phe; replaces isoleucine 129 with phenylalanine.
Molecular consequence: missense variant.
Genome position (GRCh38, 1-based): chr19:855,582, A>T. VCF-style: chr19-855582-A-T. GRCh37 (hg19) VCF-style: chr19-855582-A-T.
Other names: short protein forms I129F.
Identifiers: ClinVar variation 4248063 (VCV004248063.1).